The following is an entry in ClinVar:

NM_004733.4(SLC33A1):c.1054A>G (p.Met352Val)

Gene: SLC33A1 (solute carrier family 33 member 1; minus strand). Cytogenetic location: 3q25.31.
Variant type: single nucleotide variant.
Coding change: c.1054A>G on transcript NM_004733.4 (MANE Select); coding-DNA position 1054, A replaced by G.
Protein change: p.Met352Val; replaces methionine 352 with valine.
Molecular consequence: missense variant.
Genome position (GRCh38, 1-based): chr3:155,833,951, T>C on the plus strand (A>G on the coding strand, the complement: SLC33A1 is on the minus strand). VCF-style: chr3-155833951-T-C. GRCh37 (hg19) VCF-style: chr3-155551740-T-C.
Other names: c.1054A>G, p.Met352Val (NM_001190992.2); c.866A>G, p.Asn289Ser (NM_001363883.1); short protein forms M352V, N289S.
Identifiers: ClinVar variation 2558160 (VCV002558160.3), dbSNP rs749048114, ClinGen allele CA2677328.

ClinVar aggregate classification (germline): Uncertain significance. Review status: criteria provided, multiple submitters, no conflicts (2 of 4 stars). 2 submissions from 2 submitters: Uncertain significance (2). Last evaluated 2025-10-08.

Conditions:
Spastic paraplegia. Identifiers: MedGen C0037772, HP:0001258.
Inborn genetic diseases. Identifiers: MedGen C0950123, MeSH D030342.

Allele frequency attached by ClinVar (database versions not stated): ExAC 0.00001; gnomAD 0.00003.

Submissions (2):

Labcorp Genetics (formerly Invitae), Labcorp
Classification: Uncertain significance for Spastic paraplegia. Last evaluated: 2025-10-08. Review status: criteria provided, single submitter. Criteria: Invitae Variant Classification Sherloc (09022015). Collection method: clinical testing. Allele origin: germline.
Comment: This sequence change replaces methionine, which is neutral and non-polar, with valine, which is neutral and non-polar, at codon 352 of the SLC33A1 protein (p.Met352Val). This variant is present in population databases (rs749048114, gnomAD 0.008%). This variant has not been reported in the literature in individuals affected with SLC33A1-related conditions. ClinVar contains an entry for this variant (Variation ID: 2558160). Invitae Evidence Modeling of protein sequence and biophysical properties (such as structural, functional, and spatial information, amino acid conservation, physicochemical variation, residue mobility, and thermodynamic stability) indicates that this missense variant is not expected to disrupt SLC33A1 protein function with a negative predictive value of 80%. In summary, the available evidence is currently insufficient to determine the role of this variant in disease. Therefore, it has been classified as a Variant of Uncertain Significance.

Ambry Genetics
Classification: Uncertain significance for Inborn genetic diseases. Last evaluated: 2023-06-06. Review status: criteria provided, single submitter. Criteria: Ambry Variant Classification Scheme 2023. Collection method: clinical testing. Allele origin: germline.